The following is an entry in ClinVar:

ClinVar aggregate classification (germline): Likely pathogenic (1 of 4 stars; one submission).

Submission:

Labcorp Genetics (formerly Invitae), Labcorp
Classification: Likely pathogenic. Last evaluated: 2021-09-15. Review status: criteria provided, single submitter. Criteria: Invitae Variant Classification Sherloc (09022015). Collection method: clinical testing. Allele origin: germline.
Comment: This sequence change affects an acceptor splice site in intron 6 of the COL4A4 gene. It is expected to disrupt RNA splicing. Variants that disrupt the donor or acceptor splice site typically lead to a loss of protein function (PMID: 16199547), and loss-of-function variants in COL4A4 are known to be pathogenic (PMID: 21196518, 24854265, 25307543). This variant is not present in population databases (ExAC no frequency). This variant has not been reported in the literature in individuals affected with COL4A4-related conditions. Algorithms developed to predict the effect of sequence changes on RNA splicing suggest that this variant may disrupt the consensus splice site. In summary, the currently available evidence indicates that the variant is pathogenic, but additional data are needed to prove that conclusively. Therefore, this variant has been classified as Likely Pathogenic.

Literature cited by the submitters: PubMed 16199547; PubMed 21196518; PubMed 24854265; PubMed 25307543.

NM_000092.5(COL4A4):c.373-2A>G

Gene: COL4A4 (collagen type IV alpha 4 chain; minus strand). Cytogenetic location: 2q36.3.
Variant type: single nucleotide variant.
Coding change: c.373-2A>G on transcript NM_000092.5 (MANE Select); the canonical splice acceptor site of the intron before coding-DNA position 373, A replaced by G.
Molecular consequence: splice acceptor variant.
Genome position (GRCh38, 1-based): chr2:227,118,763, T>C on the plus strand (A>G on the coding strand, the complement: COL4A4 is on the minus strand). VCF-style: chr2-227118763-T-C. GRCh37 (hg19) VCF-style: chr2-227983479-T-C.
Identifiers: ClinVar variation 1490078 (VCV001490078.6), dbSNP rs2125001412, ClinGen allele CA350862228.